The following is an entry in ClinVar:

ClinVar aggregate classification (germline): Uncertain significance (1 of 4 stars; one submission).

Allele frequency attached by ClinVar (database versions not stated): gnomAD exomes below 0.00001.
gnomAD v4.1: 4 of 1,614,192 alleles (0.00025%); highest among the groups gnomAD compares: Non-Finnish European, 0.00034%; no homozygotes.

Submission:

Labcorp Genetics (formerly Invitae), Labcorp
Classification: Uncertain significance. Last evaluated: 2021-07-30. Review status: criteria provided, single submitter. Criteria: Invitae Variant Classification Sherloc (09022015). Collection method: clinical testing. Allele origin: germline.
Comment: This sequence change replaces glutamine with lysine at codon 913 of the CAD protein (p.Gln913Lys). The glutamine residue is moderately conserved and there is a small physicochemical difference between glutamine and lysine. This variant is not present in population databases (ExAC no frequency). This variant has not been reported in the literature in individuals affected with CAD-related conditions. Algorithms developed to predict the effect of missense changes on protein structure and function (SIFT, PolyPhen-2, Align-GVGD) all suggest that this variant is likely to be tolerated. In summary, the available evidence is currently insufficient to determine the role of this variant in disease. Therefore, it has been classified as a Variant of Uncertain Significance.

NM_004341.5(CAD):c.2737C>A (p.Gln913Lys)

Genes: CAD (carbamoyl-phosphate synthetase 2, aspartate transcarbamylase, and dihydroorotase; plus strand), LOC126806171 (BRD4-independent group 4 enhancer GRCh37_chr2:27454350-27455549; plus strand). Cytogenetic location: 2p23.3.
Variant type: single nucleotide variant.
Coding change: c.2737C>A on transcript NM_004341.5 (MANE Select); coding-DNA position 2737, C replaced by A.
Protein change: p.Gln913Lys; replaces glutamine 913 with lysine.
Molecular consequence: missense variant.
Genome position (GRCh38, 1-based): chr2:27,232,539, C>A. VCF-style: chr2-27232539-C-A. GRCh37 (hg19) VCF-style: chr2-27455407-C-A.
Other names: c.2548C>A, p.Gln850Lys (NM_001306079.2); short protein forms Q913K, Q850K.
Identifiers: ClinVar variation 1362270 (VCV001362270.3), dbSNP rs1675811102, ClinGen allele CA346212527.
Genomic context (GRCh38, chr2:27,232,539, plus strand): 5'-GAACTGGGGATCTGTCCAGCAGTGAAACAGATTGACACAGTTGCAGCTGAGTGGCCAGCC[C>A]AGACAAATTACCTATACCTAACGTATTGGGGCACCACCCATGACCTCACCTTTCGAACAC-3'
Protein context (NP_004332.2, residues 903-923): IDTVAAEWPA[Gln913Lys]TNYLYLTYWG